The following is an entry in ClinVar:

NM_000091.5(COL4A3):c.2657-2A>C

Genes: COL4A3 (collagen type IV alpha 3 chain; plus strand), MFF-DT (MFF divergent transcript; minus strand). Cytogenetic location: 2q36.3.
Variant type: single nucleotide variant.
Coding change: c.2657-2A>C on transcript NM_000091.5 (MANE Select); the canonical splice acceptor site of the intron before coding-DNA position 2657, A replaced by C.
Molecular consequence: splice acceptor variant.
Genome position (GRCh38, 1-based): chr2:227,283,765, A>C. VCF-style: chr2-227283765-A-C. GRCh37 (hg19) VCF-style: chr2-228148481-A-C.
Identifiers: ClinVar variation 4293887 (VCV004293887.1).

ClinVar aggregate classification (germline): Likely pathogenic (1 of 4 stars; one submission).

Conditions:
Alport syndrome 3b, autosomal recessive. Identifiers: MedGen C5882699, MONDO:0957811, OMIM 620536.

Submission:

3billion
Classification: Likely pathogenic for Alport syndrome 3b, autosomal recessive. Last evaluated: 2024-10-08. Review status: criteria provided, single submitter. Criteria: ACMG Guidelines, 2015. Collection method: clinical testing. Allele origin: germline. Affected: yes.
Comment: The variant is not observed in the gnomAD v4.1.0 dataset. Predicted Consequence/Location: Canonical splice site: predicted to alter splicing and result in a loss or disruption of normal protein function. Multiple pathogenic loss-of-function variants are reported downstream of the variant. In silico tools predict the variant to alter splicing and produce an abnormal transcript [SpliceAI: 1.00 (spliceogenicity >=0.2, non-spliceogenicity <0.1)]. Therefore, this variant is classified as Likely pathogenic according to the recommendation of ACMG/AMP guideline.